The following is an entry in ClinVar:

NM_001814.6(CTSC):c.917T>C (p.Ile306Thr)

Gene: CTSC (cathepsin C; minus strand). Cytogenetic location: 11q14.2.
Variant type: single nucleotide variant.
Coding change: c.917T>C on transcript NM_001814.6 (MANE Select); coding-DNA position 917, T replaced by C.
Protein change: p.Ile306Thr; replaces isoleucine 306 with threonine.
Molecular consequence: missense variant.
Genome position (GRCh38, 1-based): chr11:88,294,481, A>G on the plus strand (T>C on the coding strand, the complement: CTSC is on the minus strand). VCF-style: chr11-88294481-A-G. GRCh37 (hg19) VCF-style: chr11-88027649-A-G.
Other names: short protein forms I306T.
Identifiers: ClinVar variation 1982544 (VCV001982544.2), dbSNP rs1386551513, ClinGen allele CA382022285.
Genomic context (GRCh38, chr11:88,294,481, plus strand): 5'-CCTGTGTAGGGGAAGCAAGCTTCTTCCACCAGCCCAAAATCTTGGGCGTACTTTCCTGCA[A>G]TAAGGTATGGGAAGCCGCCTTCACAGCCTGAAGATGAATAACACACATGGTTACCCCTTA-3'
Protein context (NP_001805.4, residues 296-316): QGCEGGFPYL[Ile306Thr]AGKYAQDFGL

ClinVar aggregate classification (germline): Conflicting classifications of pathogenicity. Review status: criteria provided, conflicting classifications (1 of 4 stars). 2 submissions from 2 submitters: Uncertain significance (1); Likely benign (1). Last evaluated 2022-08-12.

Conditions:
Inborn genetic diseases. Identifiers: MedGen C0950123, MeSH D030342.
Periodontitis, aggressive. Identifiers: MedGen C0031106, MONDO:0980757.
Haim-Munk syndrome (HMS). Also called: COCHIN JEWISH DISORDER; KERATOSIS PALMOPLANTARIS WITH PERIODONTOPATHIA AND ONYCHOGRYPOSIS. Identifiers: Orphanet 2342, MedGen C1855627, MONDO:0009491, OMIM 245010.
Papillon-Lefèvre syndrome (PALS). Also called: KERATOSIS PALMOPLANTARIS WITH PERIODONTOPATHIA; Papillon-Lefevre Disease. Identifiers: Orphanet 678, MedGen C0030360, MONDO:0009490, OMIM 245000.

Allele frequency attached by ClinVar (database versions not stated): gnomAD exomes below 0.00001; TOPMed below 0.00001.
gnomAD v4.1: 4 of 1,614,188 alleles (0.00025%); highest among the groups gnomAD compares: Middle Eastern, 0.033%; no homozygotes.

Submissions (2):

Labcorp Genetics (formerly Invitae), Labcorp
Classification: Uncertain significance for Haim-Munk syndrome; Periodontitis, aggressive; Papillon-Lefèvre syndrome. Last evaluated: 2022-08-12. Review status: criteria provided, single submitter. Criteria: Invitae Variant Classification Sherloc (09022015). Collection method: clinical testing. Allele origin: germline.
Comment: This sequence change replaces isoleucine, which is neutral and non-polar, with threonine, which is neutral and polar, at codon 306 of the CTSC protein (p.Ile306Thr). This variant is present in population databases (no rsID available, gnomAD 0.007%). This variant has not been reported in the literature in individuals affected with CTSC-related conditions. Algorithms developed to predict the effect of missense changes on protein structure and function output the following: SIFT: "Not Available"; PolyPhen-2: "Benign"; Align-GVGD: "Not Available". The threonine amino acid residue is found in multiple mammalian species, which suggests that this missense change does not adversely affect protein function. Algorithms developed to predict the effect of sequence changes on RNA splicing suggest that this variant may disrupt the consensus splice site. In summary, the available evidence is currently insufficient to determine the role of this variant in disease. Therefore, it has been classified as a Variant of Uncertain Significance.

Ambry Genetics
Classification: Likely benign for Inborn genetic diseases. Last evaluated: 2021-06-18. Review status: criteria provided, single submitter. Criteria: Ambry Variant Classification Scheme 2023. Collection method: clinical testing. Allele origin: germline.